The following is an entry in ClinVar:

ClinVar aggregate classification (germline): Uncertain significance. Review status: criteria provided, multiple submitters, no conflicts (2 of 4 stars). 3 submissions from 3 submitters: Uncertain significance (2). 1 of the submissions does not count toward it. Last evaluated 2025-11-12.

Conditions:
ZCCHC8-related disorder. Also called: ZCCHC8-related condition.

Allele frequency attached by ClinVar (database versions not stated): gnomAD exomes 0.00002; TOPMed 0.00003; ESP Exome Variant Server 0.00008; ExAC 0.00002; gnomAD 0.00004.
gnomAD v4.1: 30 of 1,613,814 alleles (0.0019%); highest among the groups gnomAD compares: Non-Finnish European, 0.0025%; no homozygotes.

Submissions (3):

Labcorp Genetics (formerly Invitae), Labcorp
Classification: Uncertain significance. Last evaluated: 2025-11-12. Review status: criteria provided, single submitter. Criteria: Invitae Variant Classification Sherloc (09022015). Collection method: clinical testing. Allele origin: germline.
Comment: This sequence change replaces lysine, which is basic and polar, with asparagine, which is neutral and polar, at codon 590 of the ZCCHC8 protein (p.Lys590Asn). This variant is present in population databases (rs375049593, gnomAD 0.006%). This variant has not been reported in the literature in individuals affected with ZCCHC8-related conditions. ClinVar contains an entry for this variant (Variation ID: 2588411). Invitae Evidence Modeling of protein sequence and biophysical properties (such as structural, functional, and spatial information, amino acid conservation, physicochemical variation, residue mobility, and thermodynamic stability) indicates that this missense variant is not expected to disrupt ZCCHC8 protein function with a negative predictive value of 80%. In summary, the available evidence is currently insufficient to determine the role of this variant in disease. Therefore, it has been classified as a Variant of Uncertain Significance.

Ambry Genetics
Classification: Uncertain significance. Last evaluated: 2023-09-12. Review status: criteria provided, single submitter. Criteria: Ambry Variant Classification Scheme 2023. Collection method: clinical testing. Allele origin: germline.

PreventionGenetics, part of Exact Sciences
Classification: Uncertain significance for ZCCHC8-related condition. Last evaluated: 2023-11-21. Review status: no assertion criteria provided. Collection method: clinical testing. Allele origin: germline. Not counted in ClinVar's aggregate classification.
Comment: The ZCCHC8 c.1770A>C variant is predicted to result in the amino acid substitution p.Lys590Asn. To our knowledge, this variant has not been reported in the literature. This variant is reported in 0.0055% of alleles in individuals of European (Non-Finnish) descent in gnomAD. At this time, the clinical significance of this variant is uncertain due to the absence of conclusive functional and genetic evidence.

NM_017612.5(ZCCHC8):c.1770A>C (p.Lys590Asn)

Gene: ZCCHC8 (zinc finger CCHC-type containing 8; minus strand). Cytogenetic location: 12q24.31.
Variant type: single nucleotide variant.
Coding change: c.1770A>C on transcript NM_017612.5 (MANE Select); coding-DNA position 1770, A replaced by C.
Protein change: p.Lys590Asn; replaces lysine 590 with asparagine.
Molecular consequence: missense variant.
Genome position (GRCh38, 1-based): chr12:122,473,851, T>G on the plus strand (A>C on the coding strand, the complement: ZCCHC8 is on the minus strand). VCF-style: chr12-122473851-T-G. GRCh37 (hg19) VCF-style: chr12-122958398-T-G.
Other names: c.1770A>C (NM_017612.4); c.1539A>C, p.Lys513Asn (NM_001350935.2); c.1473A>C, p.Lys491Asn (NM_001350936.2); c.1056A>C, p.Lys352Asn (NM_001350937.2, NM_001350938.2); short protein forms K590N, K352N, K513N, K491N.
Identifiers: ClinVar variation 2588411 (VCV002588411.7), dbSNP rs375049593, ClinGen allele CA6846095.
Genomic context (GRCh38, chr12:122,473,851, plus strand): 5'-TTCCTTCTGACAAAGTGATGTCACCTCAGAGTCTGGACTGGAGGCATGTCCAGCTTCTGA[T>G]TTCTTTGTAAAAATCTCTGGTACCTCAGGCTCATCCAGCGTCTGCTTTTCAGATGTTTTT-3'
Protein context (NP_060082.2, residues 580-600): EPEVPEIFTK[Lys590Asn]SEAGHASSPD